The following is an entry in ClinVar:

NM_000891.3(KCNJ2):c.566G>T (p.Arg189Ile)

Gene: KCNJ2 (potassium inwardly rectifying channel subfamily J member 2; plus strand). Cytogenetic location: 17q24.3.
Variant type: single nucleotide variant.
Coding change: c.566G>T on transcript NM_000891.3 (MANE Select); coding-DNA position 566, G replaced by T.
Protein change: p.Arg189Ile; replaces arginine 189 with isoleucine.
Molecular consequence: missense variant.
Genome position (GRCh38, 1-based): chr17:70,175,605, G>T. VCF-style: chr17-70175605-G-T. GRCh37 (hg19) VCF-style: chr17-68171746-G-T.
Other names: p.R189I:AGA>ATA; c.566G>T (LRG_328t1); short protein forms R189I.
Identifiers: ClinVar variation 67580 (VCV000067580.4), dbSNP rs199473381, ClinGen allele CA302038.

ClinVar aggregate classification (germline): Likely pathogenic. Review status: criteria provided, single submitter (1 of 4 stars). 2 submissions from 2 submitters: Likely pathogenic (1). 1 of the submissions does not count toward it. Last evaluated 2022-08-30.

Conditions:
Familial long QT syndrome (RWS). Also called: Congenital long QT syndrome; Romano-Ward syndrome; VENTRICULAR FIBRILLATION WITH PROLONGED QT INTERVAL. Identifiers: Orphanet 768, MedGen C1141890, MONDO:0019171.

Submissions (2):

GeneDx
Classification: Likely pathogenic. Last evaluated: 2022-08-30. Review status: criteria provided, single submitter. Criteria: GeneDx Variant Classification Process June 2021. Collection method: clinical testing. Allele origin: germline. Affected: yes.
Comment: Not observed at significant frequency in large population cohorts (gnomAD); In silico analysis supports that this missense variant has a deleterious effect on protein structure/function; This variant is associated with the following publications: (PMID: 15911703, 20086079, 15176430, 17341397, 12796536)

Cardiovascular Biomedical Research Unit, Royal Brompton & Harefield NHS Foundation Trust
No classification provided. Condition: Familial long QT syndrome. Review status: no classification provided. Collection method: literature only. Allele origin: germline. Not counted in ClinVar's aggregate classification.
Comment: This variant has been reported in the following publications (PMID:12796536).

Literature cited by the submitters: PubMed 12796536 (cited by Cardiovascular Biomedical Research Unit, Royal Brompton & Harefield NHS Foundation Trust); PubMed 22581653 (cited by Cardiovascular Biomedical Research Unit, Royal Brompton & Harefield NHS Foundation Trust).